The following is an entry in ClinVar:

ClinVar aggregate classification (germline): Likely pathogenic (1 of 4 stars; one submission).

Submission:

GeneDx
Classification: Likely pathogenic. Last evaluated: 2015-12-24. Review status: criteria provided, single submitter. Criteria: GeneDx Variant Classification (06012015). Collection method: clinical testing. Allele origin: germline. Affected: yes.
Comment: The c.559+5 G>C splice site variant in the WAS gene is predicted by in silico analysis to destroy or severely impact the natural splice donor site in intron 6. It is predicted to cause abnormal gene splicing, either leading to an abnormal message that is subject to nonsense-mediated mRNA decay, or to an abnormal protein product if the message is used for protein translation. A similar variant involving the same nucleotide (c.559+5 G>A) has been reported in a patient exhibiting a mild phenotype (Zhu et al., 1997).

NM_000377.3(WAS):c.559+5G>C

Gene: WAS (WASP actin nucleation promoting factor; plus strand). Cytogenetic location: Xp11.23.
Variant type: single nucleotide variant.
Coding change: c.559+5G>C on transcript NM_000377.3 (MANE Select); 5 bases into the intron after coding-DNA position 559, G replaced by C.
Molecular consequence: intron variant.
Genome position (GRCh38, 1-based): chrX:48,686,139, G>C. VCF-style: chrX-48686139-G-C. GRCh37 (hg19) VCF-style: chrX-48544528-G-C.
Identifiers: ClinVar variation 265290 (VCV000265290.2), dbSNP rs886039451, ClinGen allele CA10588788.